The following is an entry in ClinVar:

ClinVar aggregate classification (germline): Uncertain significance. Review status: criteria provided, multiple submitters, no conflicts (2 of 4 stars). 2 submissions from 2 submitters: Uncertain significance (2). Last evaluated 2023-11-20.

Conditions:
Infantile cerebellar-retinal degeneration (ICRD). Identifiers: Orphanet 313850, MedGen C3281192, MONDO:0013802, OMIM 614559.

Allele frequency attached by ClinVar (database versions not stated): gnomAD exomes below 0.00001; ExAC 0.00001; gnomAD 0.00001; TOPMed 0.00001; ESP Exome Variant Server 0.00008.
gnomAD v4.1: 5 of 1,612,308 alleles (0.00031%); highest among the groups gnomAD compares: East Asian, 0.0022%; no homozygotes.

Submissions (2):

Labcorp Genetics (formerly Invitae), Labcorp
Classification: Uncertain significance. Last evaluated: 2023-11-20. Review status: criteria provided, single submitter. Criteria: Invitae Variant Classification Sherloc (09022015). Collection method: clinical testing. Allele origin: germline.
Comment: This sequence change replaces arginine, which is basic and polar, with cysteine, which is neutral and slightly polar, at codon 648 of the ACO2 protein (p.Arg648Cys). This variant is present in population databases (rs369064868, gnomAD 0.004%). This variant has not been reported in the literature in individuals affected with ACO2-related conditions. ClinVar contains an entry for this variant (Variation ID: 816929). Advanced modeling of protein sequence and biophysical properties (such as structural, functional, and spatial information, amino acid conservation, physicochemical variation, residue mobility, and thermodynamic stability) performed at Invitae indicates that this missense variant is expected to disrupt ACO2 protein function with a positive predictive value of 80%. In summary, the available evidence is currently insufficient to determine the role of this variant in disease. Therefore, it has been classified as a Variant of Uncertain Significance.

Genomic Medicine Lab, University of California San Francisco
Classification: Uncertain significance for Infantile cerebellar-retinal degeneration. Last evaluated: 2019-01-10. Review status: criteria provided, single submitter. Criteria: ACMG Guidelines, 2015. Collection method: clinical testing. Allele origin: inherited. Inheritance: Autosomal recessive inheritance. Study: CSER.

NM_001098.3(ACO2):c.1942C>T (p.Arg648Cys)

Genes: ACO2 (aconitase 2; plus strand), POLR3H (RNA polymerase III subunit H; minus strand). Cytogenetic location: 22q13.2.
Variant type: single nucleotide variant.
Coding change: c.1942C>T on transcript NM_001098.3 (MANE Select); coding-DNA position 1942, C replaced by T.
Protein change: p.Arg648Cys; replaces arginine 648 with cysteine.
Molecular consequence: missense variant. On other transcripts: 3 prime UTR variant (5).
Genome position (GRCh38, 1-based): chr22:41,526,442, C>T. VCF-style: chr22-41526442-C-T. GRCh37 (hg19) VCF-style: chr22-41922446-C-T.
Other names: c.*2841G>A (NM_001018050.4, NM_001018052.4, NM_001282884.2 and 2 more transcripts); short protein forms R648C.
Identifiers: ClinVar variation 816929 (VCV000816929.6), dbSNP rs369064868, ClinGen allele CA10257811.